The following is an entry in ClinVar:

NM_000051.4(ATM):c.7719dup (p.Lys2574Ter)

Genes: ATM (ATM serine/threonine kinase; plus strand), C11orf65 (chromosome 11 open reading frame 65; minus strand). Cytogenetic location: 11q22.3.
Variant type: Duplication.
Coding change: c.7719dup on transcript NM_000051.4 (MANE Select); coding-DNA position 7719, one base duplicated (T; older notation c.7719dupT).
Protein change: p.Lys2574Ter; replaces lysine 2574 with a stop codon.
Molecular consequence: nonsense. On other transcripts: intron variant (2), frameshift variant (1).
Genome position (GRCh38, 1-based): chr11:108,331,968, T duplicated. VCF-style (leftmost placement, unchanged base first): chr11-108331967-C-CT. GRCh37 (hg19) VCF-style: chr11-108202694-C-CT.
Other names: c.7719dup, p.Lys2574Ter (NM_001351834.2); c.641-22897dup (NM_001330368.2); c.*38+3252dup (NM_001351110.2); c.7719dupT (NM_000051.3); short protein forms K2574*.
Identifiers: ClinVar variation 4618545 (VCV004618545.1).

ClinVar aggregate classification (germline): Pathogenic (1 of 4 stars; one submission).

Conditions:
Hereditary cancer-predisposing syndrome. Also called: Hereditary Cancer Syndrome; Neoplastic Syndromes, Hereditary; Tumor predisposition; Hereditary neoplastic syndrome. Identifiers: Orphanet 140162, MedGen C0027672, MeSH D009386, MONDO:0015356.

Submission:

Ambry Genetics
Classification: Pathogenic for Hereditary cancer-predisposing syndrome. Last evaluated: 2025-11-25. Review status: criteria provided, single submitter. Criteria: Ambry Variant Classification Scheme 2023. Collection method: clinical testing. Allele origin: germline.
Comment: The c.7719dupT pathogenic mutation, located in coding exon 51 of the ATM gene, results from a duplication of T at nucleotide position 7719, causing a translational frameshift with a predicted alternate stop codon (p.K2574*). This variant is considered to be rare based on population cohorts in the Genome Aggregation Database (gnomAD). This alteration is expected to result in loss of function by premature protein truncation or nonsense-mediated mRNA decay. As such, this alteration is interpreted as a disease-causing mutation.